The following is an entry in ClinVar:

ClinVar aggregate classification (germline): Uncertain significance (1 of 4 stars; one submission).

Conditions:
Epidermolysis bullosa simplex with nail dystrophy (EBS5D). Identifiers: MedGen C4225309, MONDO:0014661, OMIM 616487.
Epidermolysis bullosa simplex, Ogna type (EBS5A). Also called: EPIDERMOLYSIS BULLOSA SIMPLEX 5A, OGNA TYPE; Pidermolysis bullosa simplex 5A, Ogna type. Identifiers: Orphanet 79401, MedGen C0432317, MONDO:0007555, OMIM 131950.
Autosomal recessive limb-girdle muscular dystrophy type 2Q (LGMDR17). Also called: MUSCULAR DYSTROPHY, LIMB-GIRDLE, AUTOSOMAL RECESSIVE 17. Identifiers: Orphanet 254361, MedGen C3150989, MONDO:0013390, OMIM 613723.
Epidermolysis bullosa simplex 5B, with muscular dystrophy (EBS5B). Also called: EPIDERMOLYSIS BULLOSA SIMPLEX AND LIMB-GIRDLE MUSCULAR DYSTROPHY; Epidermolysis bullosa simplex with muscular dystrophy. Identifiers: Orphanet 257, MedGen C2931072, MONDO:0009181, OMIM 226670.
Epidermolysis bullosa simplex 5C, with pyloric atresia (EBS5C). Also called: PLEC-Related Epidermolysis Bullosa with Pyloric Atresia; Epidermolysis bullosa simplex with pyloric atresia; PLEC1-Related Epidermolysis Bullosa with Pyloric Atresia. Identifiers: Orphanet 158684, MedGen C2677349, MONDO:0012807, OMIM 612138.

gnomAD v4.1: 71 of 1,612,980 alleles (0.0044%); highest among the groups gnomAD compares: Non-Finnish European, 0.0058%; no homozygotes.

Submission:

Labcorp Genetics (formerly Invitae), Labcorp
Classification: Uncertain significance for Autosomal recessive limb-girdle muscular dystrophy type 2Q; Epidermolysis bullosa simplex, Ogna type; Epidermolysis bullosa simplex with nail dystrophy; Epidermolysis bullosa simplex 5C, with pyloric atresia; Epidermolysis bullosa simplex 5B, with muscular dystrophy. Last evaluated: 2025-12-03. Review status: criteria provided, single submitter. Criteria: Invitae Variant Classification Sherloc (09022015). Collection method: clinical testing. Allele origin: germline.
Comment: This sequence change replaces aspartic acid, which is acidic and polar, with histidine, which is basic and polar, at codon 4231 of the PLEC protein (p.Asp4231His). This variant is present in population databases (rs781906543, gnomAD 0.007%). This variant has not been reported in the literature in individuals affected with PLEC-related conditions. Invitae Evidence Modeling of protein sequence and biophysical properties (such as structural, functional, and spatial information, amino acid conservation, physicochemical variation, residue mobility, and thermodynamic stability) indicates that this missense variant is not expected to disrupt PLEC protein function with a negative predictive value of 80%. In summary, the available evidence is currently insufficient to determine the role of this variant in disease. Therefore, it has been classified as a Variant of Uncertain Significance.

NM_201384.3(PLEC):c.12610G>C (p.Asp4204His)

Gene: PLEC (plectin; minus strand). Cytogenetic location: 8q24.3.
Variant type: single nucleotide variant.
Coding change: c.12610G>C on transcript NM_201384.3 (MANE Select); coding-DNA position 12610, G replaced by C.
Protein change: p.Asp4204His; replaces aspartic acid 4204 with histidine.
Molecular consequence: missense variant.
Genome position (GRCh38, 1-based): chr8:143,917,211, C>G on the plus strand (G>C on the coding strand, the complement: PLEC is on the minus strand). VCF-style: chr8-143917211-C-G. GRCh37 (hg19) VCF-style: chr8-144991379-C-G.
Other names: c.12691G>C, p.Asp4231His (NM_000445.5); c.9310G>C, p.Asp3104His (NM_001410941.1); c.12568G>C, p.Asp4190His (NM_201378.4); c.12544G>C, p.Asp4182His (NM_201379.3); c.13021G>C, p.Asp4341His (NM_201380.4); c.12514G>C, p.Asp4172His (NM_201381.3); c.12610G>C, p.Asp4204His (NM_201382.4); c.12622G>C, p.Asp4208His (NM_201383.3); short protein forms D4172H, D3104H, D4341H, D4182H, D4204H, D4208H, D4231H, D4190H.
Identifiers: ClinVar variation 4789864 (VCV004789864.1).